The following is an entry in ClinVar:

NM_144687.4(NLRP12):c.1420A>T (p.Ile474Phe)

Gene: NLRP12 (NLR family pyrin domain containing 12; minus strand). Cytogenetic location: 19q13.42.
Variant type: single nucleotide variant.
Coding change: c.1420A>T on transcript NM_144687.4 (MANE Select); coding-DNA position 1420, A replaced by T.
Protein change: p.Ile474Phe; replaces isoleucine 474 with phenylalanine.
Molecular consequence: missense variant.
Genome position (GRCh38, 1-based): chr19:53,810,239, T>A on the plus strand (A>T on the coding strand, the complement: NLRP12 is on the minus strand). VCF-style: chr19-53810239-T-A. GRCh37 (hg19) VCF-style: chr19-54313493-T-A.
Other names: c.1420A>T, p.Ile474Phe (NM_001277126.2, NM_001277129.1); short protein forms I474F.
Identifiers: ClinVar variation 330030 (VCV000330030.28), dbSNP rs886054609, ClinGen allele CA10649034.

ClinVar aggregate classification (germline): Uncertain significance. Review status: criteria provided, multiple submitters, no conflicts (2 of 4 stars). 3 submissions from 3 submitters: Uncertain significance (3). Last evaluated 2024-10-01.

Conditions:
Familial cold autoinflammatory syndrome 2 (FCAS2). Identifiers: Orphanet 247868, MedGen C2673198, MONDO:0012724, OMIM 611762.

Allele frequency attached by ClinVar (database versions not stated): gnomAD exomes 0.00001.
gnomAD v4.1: 14 of 1,614,140 alleles (0.00087%); highest among the groups gnomAD compares: Non-Finnish European, 0.0012%; no homozygotes.

Submissions (3):

CeGaT Center for Human Genetics Tuebingen
Classification: Uncertain significance. Last evaluated: 2024-10-01. Review status: criteria provided, single submitter. Criteria: CeGaT Center For Human Genetics Tuebingen Variant Classification Criteria Version 2. Collection method: clinical testing. Allele origin: germline. Affected: yes. Observed: 1 variant allele.

Labcorp Genetics (formerly Invitae), Labcorp
Classification: Uncertain significance for Familial cold autoinflammatory syndrome 2. Last evaluated: 2024-08-08. Review status: criteria provided, single submitter. Criteria: Invitae Variant Classification Sherloc (09022015). Collection method: clinical testing. Allele origin: germline.
Comment: This sequence change replaces isoleucine, which is neutral and non-polar, with phenylalanine, which is neutral and non-polar, at codon 474 of the NLRP12 protein (p.Ile474Phe). This variant is not present in population databases (gnomAD no frequency). This variant has not been reported in the literature in individuals affected with NLRP12-related conditions. ClinVar contains an entry for this variant (Variation ID: 330030). Advanced modeling of protein sequence and biophysical properties (such as structural, functional, and spatial information, amino acid conservation, physicochemical variation, residue mobility, and thermodynamic stability) performed at Invitae indicates that this missense variant is not expected to disrupt NLRP12 protein function with a negative predictive value of 80%. In summary, the available evidence is currently insufficient to determine the role of this variant in disease. Therefore, it has been classified as a Variant of Uncertain Significance.

Illumina Laboratory Services, Illumina
Classification: Uncertain significance for Familial cold autoinflammatory syndrome 2. Last evaluated: 2018-01-12. Review status: criteria provided, single submitter. Criteria: ICSL Variant Classification Criteria 13 December 2019. Collection method: clinical testing. Allele origin: germline.